The following is an entry in ClinVar:

ClinVar aggregate classification (germline): Benign. Review status: criteria provided, multiple submitters, no conflicts (2 of 4 stars). 7 submissions from 7 submitters: Benign (5). 2 of the submissions do not count toward it. Last evaluated 2026-02-04.

Conditions:
Hereditary spastic paraplegia 28. Also called: Spastic paraplegia 28, autosomal recessive. Identifiers: Orphanet 101008, MedGen C1836295, MONDO:0012256, OMIM 609340.

Allele frequency attached by ClinVar (database versions not stated): ESP Exome Variant Server 0.76834; TOPMed 0.77653; 1000 Genomes Project 30x 0.80871; 1000 Genomes Project 0.81769.
gnomAD v4.1: 1,344,181 of 1,607,846 alleles (84%); highest among the groups gnomAD compares: East Asian, 99%; 564,073 homozygotes.

Submissions (7):

Labcorp Genetics (formerly Invitae), Labcorp
Classification: Benign for Hereditary spastic paraplegia 28. Last evaluated: 2026-02-04. Review status: criteria provided, single submitter. Criteria: Invitae Variant Classification Sherloc (09022015). Collection method: clinical testing. Allele origin: germline.

Genome-Nilou Lab
Classification: Benign for Hereditary spastic paraplegia 28. Last evaluated: 2021-07-30. Review status: criteria provided, single submitter. Criteria: ACMG Guidelines, 2015. Collection method: clinical testing. Allele origin: germline. Affected: no.

Mayo Clinic Laboratories, Mayo Clinic
Classification: Benign. Last evaluated: 2017-07-18. Review status: criteria provided, single submitter. Criteria: ACMG Guidelines, 2015. Collection method: clinical testing. Allele origin: germline. Observed: 1,537 variant alleles.

GeneDx
Classification: Benign. Last evaluated: 2015-12-02. Review status: criteria provided, single submitter. Criteria: GeneDx Variant Classification (06012015). Collection method: clinical testing. Allele origin: germline. Affected: yes.
Comment: This variant is considered likely benign or benign based on one or more of the following criteria: it is a conservative change, it occurs at a poorly conserved position in the protein, it is predicted to be benign by multiple in silico algorithms, and/or has population frequency not consistent with disease.

Breakthrough Genomics
Classification: Benign. Review status: criteria provided, single submitter. Criteria: ACMG Guidelines, 2015. Collection method: not provided. Allele origin: germline. Inheritance: Autosomal recessive inheritance. Affected: yes.

Diagnostic Laboratory, Department of Genetics, University Medical Center Groningen
Classification: Benign. Review status: no assertion criteria provided. Collection method: clinical testing. Allele origin: germline. Affected: yes. Study: VKGL Data-share Consensus. Not counted in ClinVar's aggregate classification.

Joint Genome Diagnostic Labs from Nijmegen and Maastricht, Radboudumc and MUMC+
Classification: Benign. Review status: no assertion criteria provided. Collection method: clinical testing. Allele origin: germline. Affected: yes. Study: VKGL Data-share Consensus. Not counted in ClinVar's aggregate classification.

NM_001160148.2(DDHD1):c.1758T>A (p.Thr586=)

Gene: DDHD1 (DDHD domain containing 1; minus strand). Cytogenetic location: 14q22.1.
Variant type: single nucleotide variant.
Coding change: c.1758T>A on transcript NM_001160148.2 (MANE Select); coding-DNA position 1758, T replaced by A.
Protein change: p.Thr586=; no amino-acid change (threonine 586 retained).
Molecular consequence: synonymous variant.
Genome position (GRCh38, 1-based): chr14:53,062,951, A>T on the plus strand (T>A on the coding strand, the complement: DDHD1 is on the minus strand). VCF-style: chr14-53062951-A-T. GRCh37 (hg19) VCF-style: chr14-53529669-A-T.
Other names: p.Thr593=; c.1779T>A, p.Thr593= (NM_001160147.2); c.1758T>A, p.Thr586= (NM_030637.3).
Identifiers: ClinVar variation 379963 (VCV000379963.20), dbSNP rs4898778, ClinGen allele CA7191163.